The following is an entry in ClinVar:

NM_000399.5(EGR2):c.1328G>A (p.Cys443Tyr)

Gene: EGR2 (early growth response 2; minus strand). Cytogenetic location: 10q21.3.
Variant type: single nucleotide variant.
Coding change: c.1328G>A on transcript NM_000399.5 (MANE Select); coding-DNA position 1328, G replaced by A.
Protein change: p.Cys443Tyr; replaces cysteine 443 with tyrosine.
Molecular consequence: missense variant.
Genome position (GRCh38, 1-based): chr10:62,813,310, C>T on the plus strand (G>A on the coding strand, the complement: EGR2 is on the minus strand). VCF-style: chr10-62813310-C-T. GRCh37 (hg19) VCF-style: chr10-64573070-C-T.
Other names: c.1328G>A, p.Cys443Tyr (NM_001136177.3, NM_001136178.2); c.1178G>A, p.Cys393Tyr (NM_001136179.3, NM_001321037.2); c.1367G>A, p.Cys456Tyr (NM_001410931.1); short protein forms C393Y, C456Y, C443Y.
Identifiers: ClinVar variation 1966940 (VCV001966940.5), dbSNP rs2492292598, ClinGen allele CA377027094.
Genomic context (GRCh38, chr10:62,813,310, plus strand): 5'-CCGCCAAGACTGCTGCTGTTACTGCTGCACAGGGTACCCCCAGGCTGCACGCCCCCAGAG[C>T]AGGAGGCTGTAGAGGGGGCTGGCACCGATGCAGAGGGGGCACTGCTTTTCCGCTCTTTCT-3'
Protein context (NP_000390.2, residues 433-453): ASVPAPSTAS[Cys443Tyr]SGGVQPGGTL

ClinVar aggregate classification (germline): Uncertain significance (1 of 4 stars; one submission).

Conditions:
Charcot-Marie-Tooth disease, type I (CMT1). Also called: Charcot-Marie-Tooth, Type 1; Charcot-Marie-Tooth disease type 1. Identifiers: Orphanet 65753, MedGen C0751036, MONDO:0019011.

Submission:

Labcorp Genetics (formerly Invitae), Labcorp
Classification: Uncertain significance for Charcot-Marie-Tooth disease, type I. Last evaluated: 2022-07-02. Review status: criteria provided, single submitter. Criteria: Invitae Variant Classification Sherloc (09022015). Collection method: clinical testing. Allele origin: germline.
Comment: This sequence change replaces cysteine, which is neutral and slightly polar, with tyrosine, which is neutral and polar, at codon 443 of the EGR2 protein (p.Cys443Tyr). This variant is not present in population databases (gnomAD no frequency). This variant has not been reported in the literature in individuals affected with EGR2-related conditions. Experimental studies and prediction algorithms are not available or were not evaluated, and the functional significance of this variant is currently unknown. In summary, the available evidence is currently insufficient to determine the role of this variant in disease. Therefore, it has been classified as a Variant of Uncertain Significance.